The following is an entry in ClinVar:

ClinVar aggregate classification (germline): Pathogenic. Review status: criteria provided, multiple submitters, no conflicts (2 of 4 stars). 2 submissions from 2 submitters: Pathogenic (2). Last evaluated 2022-09-14.

Conditions:
Glycogen storage disease, type IV (GSD4). Also called: Glycogen storage disease due to glycogen branching enzyme deficiency; AMYLOPECTINOSIS; ANDERSEN DISEASE; BRANCHER DEFICIENCY; CIRRHOSIS, FAMILIAL, WITH DEPOSITION OF ABNORMAL GLYCOGEN; GBE1 DEFICIENCY. Identifiers: Orphanet 367, MedGen C0017923, MONDO:0009292, OMIM 232500.
Glycogen storage disease IV, classic hepatic. Also called: GSD IV, CLASSIC HEPATIC. Identifiers: MedGen C1856301.

Submissions (2):

Labcorp Genetics (formerly Invitae), Labcorp
Classification: Pathogenic for Glycogen storage disease, type IV; Glycogen storage disease IV, classic hepatic. Last evaluated: 2022-09-14. Review status: criteria provided, single submitter. Criteria: Invitae Variant Classification Sherloc (09022015). Collection method: clinical testing. Allele origin: germline.
Comment: For these reasons, this variant has been classified as Pathogenic. ClinVar contains an entry for this variant (Variation ID: 1322988). This sequence change creates a premature translational stop signal (p.Arg468Profs*27) in the GBE1 gene. It is expected to result in an absent or disrupted protein product. Loss-of-function variants in GBE1 are known to be pathogenic (PMID: 15452297, 20058079). This variant is not present in population databases (gnomAD no frequency). This variant has not been reported in the literature in individuals affected with GBE1-related conditions.

Revvity Omics, Revvity
Classification: Pathogenic. Last evaluated: 2019-12-23. Review status: criteria provided, single submitter. Criteria: ACMG Guidelines, 2015. Collection method: clinical testing. Allele origin: germline.

Literature cited by the submitters: PubMed 15452297 (cited by Labcorp Genetics (formerly Invitae), Labcorp); PubMed 20058079 (cited by Labcorp Genetics (formerly Invitae), Labcorp).

NM_000158.4(GBE1):c.1403del (p.Arg468fs)

Gene: GBE1 (1,4-alpha-glucan branching enzyme 1; minus strand). Cytogenetic location: 3p12.2.
Variant type: Deletion.
Coding change: c.1403del on transcript NM_000158.4 (MANE Select); coding-DNA position 1403, one base deleted (G; older notation c.1403delG).
Protein change: p.Arg468fs; shifts the reading frame from arginine 468.
Molecular consequence: frameshift variant.
Genome position (GRCh38, 1-based): chr3:81,581,208, C deleted on the plus strand (G on the coding strand, the reverse complement: GBE1 is on the minus strand). VCF-style (leftmost placement, unchanged base first): chr3-81581207-GC-G. GRCh37 (hg19) VCF-style: chr3-81630358-GC-G.
Other names: short protein forms R468fs.
Identifiers: ClinVar variation 1322988 (VCV001322988.8), dbSNP rs2106938514, ClinGen allele CA2573052245.